The following is an entry in ClinVar:

NM_024675.4(PALB2):c.91A>T (p.Thr31Ser)

Gene: PALB2 (partner and localizer of BRCA2; minus strand). Cytogenetic location: 16p12.2.
Variant type: single nucleotide variant.
Coding change: c.91A>T on transcript NM_024675.4 (MANE Select); coding-DNA position 91, A replaced by T.
Protein change: p.Thr31Ser; replaces threonine 31 with serine.
Molecular consequence: missense variant.
Genome position (GRCh38, 1-based): chr16:23,638,087, T>A on the plus strand (A>T on the coding strand, the complement: PALB2 is on the minus strand). VCF-style: chr16-23638087-T-A. GRCh37 (hg19) VCF-style: chr16-23649408-T-A.
Other names: c.91A>T, p.Thr31Ser (NM_001407297.1, NM_001407298.1, NM_001407299.1 and 3 more transcripts); c.-795A>T (NM_001407304.1, NM_001407305.1, NM_001407306.1 and 5 more transcripts); short protein forms T31S.
Identifiers: ClinVar variation 2123106 (VCV002123106.4), dbSNP rs1967110664, ClinGen allele CA395139691.

ClinVar aggregate classification (germline): Uncertain significance (1 of 4 stars; one submission).

Conditions:
Familial cancer of breast. Also called: BREAST CANCER, FAMILIAL; Hereditary breast cancer; hereditary breast carcinoma. Identifiers: Orphanet 227535, MedGen C0346153, MONDO:0016419, OMIM 114480. Disease mechanism: loss of function.

Submission:

Labcorp Genetics (formerly Invitae), Labcorp
Classification: Uncertain significance for Familial cancer of breast. Last evaluated: 2022-04-08. Review status: criteria provided, single submitter. Criteria: Invitae Variant Classification Sherloc (09022015). Collection method: clinical testing. Allele origin: germline.
Comment: This sequence change replaces threonine, which is neutral and polar, with serine, which is neutral and polar, at codon 31 of the PALB2 protein (p.Thr31Ser). In summary, the available evidence is currently insufficient to determine the role of this variant in disease. Therefore, it has been classified as a Variant of Uncertain Significance. Algorithms developed to predict the effect of missense changes on protein structure and function are either unavailable or do not agree on the potential impact of this missense change (SIFT: "Deleterious"; PolyPhen-2: "Probably Damaging"; Align-GVGD: "Class C0"). This variant has not been reported in the literature in individuals affected with PALB2-related conditions. This variant is not present in population databases (gnomAD no frequency).